The following is an entry in ClinVar:

NM_001009944.3(PKD1):c.6158T>C (p.Leu2053Pro)

Gene: PKD1 (polycystin 1, transient receptor potential channel interacting; minus strand). Cytogenetic location: 16p13.3.
Variant type: single nucleotide variant.
Coding change: c.6158T>C on transcript NM_001009944.3 (MANE Select); coding-DNA position 6158, T replaced by C.
Protein change: p.Leu2053Pro; replaces leucine 2053 with proline.
Molecular consequence: missense variant.
Genome position (GRCh38, 1-based): chr16:2,109,009, A>G on the plus strand (T>C on the coding strand, the complement: PKD1 is on the minus strand). VCF-style: chr16-2109009-A-G. GRCh37 (hg19) VCF-style: chr16-2159010-A-G.
Other names: c.6158T>C, p.Leu2053Pro (NM_000296.4); short protein forms L2053P.
Identifiers: ClinVar variation 3391684 (VCV003391684.1).

ClinVar aggregate classification (germline): Uncertain significance (1 of 4 stars; one submission).

Submission:

GeneDx
Classification: Uncertain significance. Last evaluated: 2024-06-21. Review status: criteria provided, single submitter. Criteria: GeneDx Variant Classification Process June 2021. Collection method: clinical testing. Allele origin: germline. Affected: yes.
Comment: Not observed at significant frequency in large population cohorts (gnomAD); In silico analysis indicates that this missense variant does not alter protein structure/function; Has not been previously published as pathogenic or benign to our knowledge